The following is an entry in ClinVar:

NM_001039141.3(TRIOBP):c.3225G>A (p.Ser1075=)

Gene: TRIOBP (TRIO and F-actin binding protein; plus strand). Cytogenetic location: 22q13.1.
Variant type: single nucleotide variant.
Coding change: c.3225G>A on transcript NM_001039141.3 (MANE Select); coding-DNA position 3225, G replaced by A.
Protein change: p.Ser1075=; no amino-acid change (serine 1075 retained).
Molecular consequence: synonymous variant.
Genome position (GRCh38, 1-based): chr22:37,725,781, G>A. VCF-style: chr22-37725781-G-A. GRCh37 (hg19) VCF-style: chr22-38121788-G-A.
Other names: c.3225G>A (NM_001039141.2).
Identifiers: ClinVar variation 2900303 (VCV002900303.5), dbSNP rs768637026, ClinGen allele CA10224061.

ClinVar aggregate classification (germline): Likely benign. Review status: criteria provided, single submitter (1 of 4 stars). 2 submissions from 2 submitters: Likely benign (1). 1 of the submissions does not count toward it. Last evaluated 2024-04-25.

Conditions:
TRIOBP-related disorder. Also called: TRIOBP-related condition.

Allele frequency attached by ClinVar (database versions not stated): TOPMed 0.00015; gnomAD 0.00026; gnomAD exomes 0.00029.
gnomAD v4.1: 405 of 1,388,582 alleles (0.029%); highest among the groups gnomAD compares: East Asian, 0.32%; 2 homozygotes.

Submissions (2):

Labcorp Genetics (formerly Invitae), Labcorp
Classification: Likely benign. Last evaluated: 2024-04-25. Review status: criteria provided, single submitter. Criteria: Invitae Variant Classification Sherloc (09022015). Collection method: clinical testing. Allele origin: germline.

PreventionGenetics, part of Exact Sciences
Classification: Likely benign for TRIOBP-related condition. Last evaluated: 2019-10-28. Review status: no assertion criteria provided. Collection method: clinical testing. Allele origin: germline. Not counted in ClinVar's aggregate classification.
Comment: This variant is classified as likely benign based on ACMG/AMP sequence variant interpretation guidelines (Richards et al. 2015 PMID: 25741868, with internal and published modifications).